The following is an entry in ClinVar:

NM_001379110.1(SLC9A6):c.1231C>A (p.Pro411Thr)

Gene: SLC9A6 (solute carrier family 9 member A6; plus strand). Cytogenetic location: Xq26.3.
Variant type: single nucleotide variant.
Coding change: c.1231C>A on transcript NM_001379110.1 (MANE Select); coding-DNA position 1231, C replaced by A.
Protein change: p.Pro411Thr; replaces proline 411 with threonine.
Molecular consequence: missense variant.
Genome position (GRCh38, 1-based): chrX:136,022,622, C>A. VCF-style: chrX-136022622-C-A. GRCh37 (hg19) VCF-style: chrX-135104781-C-A.
Other names: c.1387C>A, p.Pro463Thr (NM_001042537.2); c.1231C>A, p.Pro411Thr (NM_001177651.2, NM_001400909.1, NM_001400910.1 and 2 more transcripts); c.1135C>A, p.Pro379Thr (NM_001330652.2, NM_001400913.1); c.1291C>A, p.Pro431Thr (NM_006359.3); short protein forms P379T, P411T, P431T, P463T.
Identifiers: ClinVar variation 3602940 (VCV003602940.1).
Genomic context (GRCh38, chrX:136,022,622, plus strand): 5'-TCCTTAACCTATTAATAATTTTAGGTTGCTATTTTCTTGGGAAGAGCTGCCAATATTTAC[C>A]CCTTGTCCCTCTTACTTAATTTGGGTAGAAGAAGTAAGATTGGATCAAATTTTCAACACA-3'
Protein context (NP_001366039.1, residues 401-421): IFLGRAANIY[Pro411Thr]LSLLLNLGRR

ClinVar aggregate classification (germline): Uncertain significance (1 of 4 stars; one submission).

gnomAD v4.1: 2 of 1,193,369 alleles (0.00017%); highest among the groups gnomAD compares: Non-Finnish European, 0.00011%; no homozygotes.

Submission:

GeneDx
Classification: Uncertain significance. Last evaluated: 2024-08-10. Review status: criteria provided, single submitter. Criteria: GeneDx Variant Classification Process June 2021. Collection method: clinical testing. Allele origin: germline. Affected: yes.
Comment: Not observed at significant frequency in large population cohorts (gnomAD); In silico analysis supports that this missense variant has a deleterious effect on protein structure/function; Has not been previously published as pathogenic or benign to our knowledge